The following is an entry in ClinVar:

ClinVar aggregate classification (germline): Uncertain significance (1 of 4 stars; one submission).

Allele frequency attached by ClinVar (database versions not stated): ExAC 0.00002; gnomAD 0.00001; TOPMed 0.00001.
gnomAD v4.1: 12 of 1,612,928 alleles (0.00074%); highest among the groups gnomAD compares: Middle Eastern, 0.038%; no homozygotes.

Submission:

Labcorp Genetics (formerly Invitae), Labcorp
Classification: Uncertain significance. Last evaluated: 2024-03-18. Review status: criteria provided, single submitter. Criteria: Invitae Variant Classification Sherloc (09022015). Collection method: clinical testing. Allele origin: germline.
Comment: This sequence change replaces arginine, which is basic and polar, with glutamine, which is neutral and polar, at codon 173 of the RBP4 protein (p.Arg173Gln). This variant is present in population databases (rs760604288, gnomAD 0.003%). This variant has not been reported in the literature in individuals affected with RBP4-related conditions. ClinVar contains an entry for this variant (Variation ID: 2069421). An algorithm developed to predict the effect of missense changes on protein structure and function (PolyPhen-2) suggests that this variant is likely to be disruptive. In summary, the available evidence is currently insufficient to determine the role of this variant in disease. Therefore, it has been classified as a Variant of Uncertain Significance.

NM_006744.4(RBP4):c.518G>A (p.Arg173Gln)

Gene: RBP4 (retinol binding protein 4; minus strand). Cytogenetic location: 10q23.33.
Variant type: single nucleotide variant.
Coding change: c.518G>A on transcript NM_006744.4 (MANE Select); coding-DNA position 518, G replaced by A.
Protein change: p.Arg173Gln; replaces arginine 173 with glutamine.
Molecular consequence: missense variant.
Genome position (GRCh38, 1-based): chr10:93,593,873, C>T on the plus strand (G>A on the coding strand, the complement: RBP4 is on the minus strand). VCF-style: chr10-93593873-C-T. GRCh37 (hg19) VCF-style: chr10-95353630-C-T.
Other names: c.518G>A, p.Arg173Gln (NM_001323517.1); c.512G>A, p.Arg171Gln (NM_001323518.2); short protein forms R173Q, R171Q.
Identifiers: ClinVar variation 2069421 (VCV002069421.4), dbSNP rs760604288, ClinGen allele CA5609525.